The following is an entry in ClinVar:

ClinVar aggregate classification (germline): Likely benign. Review status: criteria provided, multiple submitters, no conflicts (2 of 4 stars). 3 submissions from 3 submitters: Likely benign (2). 1 of the submissions does not count toward it. Last evaluated 2025-11-19.

Conditions:
LYST-related disorder. Also called: LYST-related condition.
Chédiak-Higashi syndrome (CHS). Also called: Chediak-Higashi Syndrome. Identifiers: Orphanet 167, MedGen C0007965, MONDO:0008963, OMIM 214500.

Allele frequency attached by ClinVar (database versions not stated): TOPMed 0.00002.

Submissions (3):

Labcorp Genetics (formerly Invitae), Labcorp
Classification: Likely benign for Chédiak-Higashi syndrome. Last evaluated: 2025-11-19. Review status: criteria provided, single submitter. Criteria: Invitae Variant Classification Sherloc (09022015). Collection method: clinical testing. Allele origin: germline.

Blueprint Genetics
Classification: Likely benign. Last evaluated: 2021-03-02. Review status: criteria provided, single submitter. Criteria: ACMG Guidelines, 2015. Collection method: clinical testing. Allele origin: germline.

PreventionGenetics, part of Exact Sciences
Classification: Likely benign for LYST-related condition. Last evaluated: 2019-12-11. Review status: no assertion criteria provided. Collection method: clinical testing. Allele origin: germline. Not counted in ClinVar's aggregate classification.
Comment: This variant is classified as likely benign based on ACMG/AMP sequence variant interpretation guidelines (Richards et al. 2015 PMID: 25741868, with internal and published modifications).

NM_000081.4(LYST):c.7689C>T (p.Thr2563=)

Gene: LYST (lysosomal trafficking regulator; minus strand). Cytogenetic location: 1q42.3.
Variant type: single nucleotide variant.
Coding change: c.7689C>T on transcript NM_000081.4 (MANE Select); coding-DNA position 7689, C replaced by T.
Protein change: p.Thr2563=; no amino-acid change (threonine 2563 retained).
Molecular consequence: synonymous variant.
Genome position (GRCh38, 1-based): chr1:235,751,301, G>A on the plus strand (C>T on the coding strand, the complement: LYST is on the minus strand). VCF-style: chr1-235751301-G-A. GRCh37 (hg19) VCF-style: chr1-235914601-G-A.
Other names: c.7689C>T, p.Thr2563= (NM_001301365.1); c.7689C>T (NM_000081.3).
Identifiers: ClinVar variation 1125917 (VCV001125917.10), dbSNP rs767740055, ClinGen allele CA1466072.
Genomic context (GRCh38, chr1:235,751,301, plus strand): 5'-ATGATGGGGAGCAGAAGGTGACTGGAGTGAATCTGTGAGGTTTTCAGAGTCATGATTTGC[G>A]GTGGTCCTTATAAATTCCATAGCAGCCTGGAGAACTCTAAGCTGTAGTGCAACAGCCATA-3'
Protein context (NP_000072.2, residues 2553-2573): LQAAMEFIRT[Thr2563=]ANHDSENLTD